The following is an entry in ClinVar:

ClinVar aggregate classification (germline): Uncertain significance. Review status: criteria provided, multiple submitters, no conflicts (2 of 4 stars). 2 submissions from 2 submitters: Uncertain significance (2). Last evaluated 2025-03-01.

Conditions:
Cardiovascular phenotype. Identifiers: MedGen CN230736.
Spinocerebellar ataxia type 19/22 (SCA19). Also called: SPINOCEREBELLAR ATAXIA 19; SPINOCEREBELLAR ATAXIA 22. Identifiers: Orphanet 98772, MedGen C1846367, MONDO:0011819, OMIM 607346.

Allele frequency attached by ClinVar (database versions not stated): gnomAD 0.00001.
gnomAD v4.1: 1 of 1,613,612 alleles (0.000062%); highest among the groups gnomAD compares: Non-Finnish European, 0.000085%; no homozygotes.

Submissions (2):

Ambry Genetics
Classification: Uncertain significance for Cardiovascular phenotype. Last evaluated: 2025-03-01. Review status: criteria provided, single submitter. Criteria: Ambry Variant Classification Scheme 2023. Collection method: clinical testing. Allele origin: germline.

Labcorp Genetics (formerly Invitae), Labcorp
Classification: Uncertain significance for Spinocerebellar ataxia type 19/22. Last evaluated: 2021-11-24. Review status: criteria provided, single submitter. Criteria: Invitae Variant Classification Sherloc (09022015). Collection method: clinical testing. Allele origin: germline.
Comment: This sequence change replaces alanine, which is neutral and non-polar, with aspartic acid, which is acidic and polar, at codon 30 of the KCND3 protein (p.Ala30Asp). In summary, the available evidence is currently insufficient to determine the role of this variant in disease. Therefore, it has been classified as a Variant of Uncertain Significance. Algorithms developed to predict the effect of missense changes on protein structure and function are either unavailable or do not agree on the potential impact of this missense change (SIFT: "Deleterious"; PolyPhen-2: "Benign"; Align-GVGD: "Class C35"). ClinVar contains an entry for this variant (Variation ID: 465169). This variant has not been reported in the literature in individuals affected with KCND3-related conditions. This variant is present in population databases (no rsID available, gnomAD 0.007%).

NM_001378969.1(KCND3):c.89C>A (p.Ala30Asp)

Gene: KCND3 (potassium voltage-gated channel subfamily D member 3; minus strand). Cytogenetic location: 1p13.2.
Variant type: single nucleotide variant.
Coding change: c.89C>A on transcript NM_001378969.1 (MANE Select); coding-DNA position 89, C replaced by A.
Protein change: p.Ala30Asp; replaces alanine 30 with aspartic acid.
Molecular consequence: missense variant.
Genome position (GRCh38, 1-based): chr1:111,982,638, G>T on the plus strand (C>A on the coding strand, the complement: KCND3 is on the minus strand). VCF-style: chr1-111982638-G-T. GRCh37 (hg19) VCF-style: chr1-112525260-G-T.
Other names: c.89C>A, p.Ala30Asp (NM_001378970.1, NM_004980.5, NM_172198.3); short protein forms A30D.
Identifiers: ClinVar variation 465169 (VCV000465169.11), dbSNP rs1307934269, ClinGen allele CA341822935.